The following is an entry in ClinVar:

ClinVar aggregate classification (germline): Uncertain significance (1 of 4 stars; one submission).

Allele frequency attached by ClinVar (database versions not stated): gnomAD exomes below 0.00001; gnomAD 0.00003; TOPMed 0.00003.
gnomAD v4.1: 6 of 1,604,530 alleles (0.00037%); highest among the groups gnomAD compares: African/African-American, 0.008%; no homozygotes.

Submission:

GeneDx
Classification: Uncertain significance. Last evaluated: 2025-07-28. Review status: criteria provided, single submitter. Criteria: GeneDx Variant Classification Process June 2021. Collection method: clinical testing. Allele origin: germline.
Comment: In silico analysis suggests that this missense variant does not alter protein structure/function; Has not been previously published as pathogenic or benign to our knowledge

NM_001378778.1(MPDZ):c.1999T>A (p.Ser667Thr)

Gene: MPDZ (multiple PDZ domain crumbs cell polarity complex component; minus strand). Cytogenetic location: 9p23.
Variant type: single nucleotide variant.
Coding change: c.1999T>A on transcript NM_001378778.1 (MANE Select); coding-DNA position 1999, T replaced by A.
Protein change: p.Ser667Thr; replaces serine 667 with threonine.
Molecular consequence: missense variant.
Genome position (GRCh38, 1-based): chr9:13,190,269, A>T on the plus strand (T>A on the coding strand, the complement: MPDZ is on the minus strand). VCF-style: chr9-13190269-A-T. GRCh37 (hg19) VCF-style: chr9-13190268-A-T.
Other names: c.1999T>A, p.Ser667Thr (NM_001261406.2, NM_001261407.2, NM_001330637.2 and 14 more transcripts); short protein forms S667T.
Identifiers: ClinVar variation 2579850 (VCV002579850.2), dbSNP rs1319788125, ClinGen allele CA372938775.